The following is an entry in ClinVar:

NM_000524.4(HTR1A):c.667C>T (p.Arg223Cys)

Gene: HTR1A (5-hydroxytryptamine receptor 1A; minus strand). Cytogenetic location: 5q12.3.
Variant type: single nucleotide variant.
Coding change: c.667C>T on transcript NM_000524.4 (MANE Select); coding-DNA position 667, C replaced by T.
Protein change: p.Arg223Cys; replaces arginine 223 with cysteine.
Molecular consequence: missense variant.
Genome position (GRCh38, 1-based): chr5:63,961,053, G>A on the plus strand (C>T on the coding strand, the complement: HTR1A is on the minus strand). VCF-style: chr5-63961053-G-A. GRCh37 (hg19) VCF-style: chr5-63256880-G-A.
Other names: short protein forms R223C.
Identifiers: ClinVar variation 3768029 (VCV003768029.1).
Genomic context (GRCh38, chr5:63,961,053, plus strand): 5'-CATGGCGGGTGTCCGCTCCGGTCTTCTCCACCTTTTTGACCGTCTTGCGGATGCGGAAGC[G>A]CGCAGCTCGGAATATGCGCCCATAGAGAACCAGCATGAGCAGCAGCGGGATGTAGAAAGC-3'
Protein context (NP_000515.2, residues 213-233): VLYGRIFRAA[Arg223Cys]FRIRKTVKKV

ClinVar aggregate classification (germline): Uncertain significance (1 of 4 stars; one submission).

gnomAD v4.1: 21 of 1,614,220 alleles (0.0013%); highest among the groups gnomAD compares: Admixed American, 0.01%; no homozygotes.

Submission:

Women's Health and Genetics/Laboratory Corporation of America, LabCorp
Classification: Uncertain significance. Last evaluated: 2024-12-30. Review status: criteria provided, single submitter. Criteria: LabCorp Variant Classification Summary - May 2015. Collection method: clinical testing. Allele origin: germline.
Comment: Variant summary: HTR1A c.667C>T (p.Arg223Cys) results in a non-conservative amino acid change located in the G-protein coupled receptors family 1 profile (G-protein coupled receptors family 1 profile) of the encoded protein sequence. Four of five in-silico tools predict a damaging effect of the variant on protein function. The variant allele was found at a frequency of 2.8e-05 in 251238 control chromosomes. The available data on variant occurrences in the general population are insufficient to allow any conclusion about variant significance. To our knowledge, no occurrence of c.667C>T in individuals affected with Periodic Fever, Menstrual Cycle-Dependent and no experimental evidence demonstrating its impact on protein function have been reported. No submitters have cited clinical-significance assessments for this variant to ClinVar. Based on the evidence outlined above, the variant was classified as uncertain significance.